The following is an entry in ClinVar:

ClinVar aggregate classification (germline): Conflicting classifications of pathogenicity. Review status: criteria provided, conflicting classifications (1 of 4 stars). 11 submissions from 11 submitters: Uncertain significance (9); Likely benign (1). 1 of the submissions does not count toward it. Last evaluated 2026-07-28.

Conditions:
ATM-related disorder. Also called: ATM-related disorders; ATM-related condition.
Hereditary cancer-predisposing syndrome. Also called: Neoplastic Syndromes, Hereditary; Tumor predisposition; Hereditary neoplastic syndrome; Hereditary Cancer Syndrome. Identifiers: Orphanet 140162, MedGen C0027672, MeSH D009386, MONDO:0015356.
Familial cancer of breast. Also called: Hereditary breast cancer; BREAST CANCER, FAMILIAL; hereditary breast carcinoma. Identifiers: Orphanet 227535, MedGen C0346153, MONDO:0016419, OMIM 114480. Disease mechanism: loss of function.
Ataxia-telangiectasia syndrome (AT). Also called: Cerebello-oculocutaneous telangiectasia; Immunodeficiency with ataxia telangiectasia; AT, COMPLEMENTATION GROUP C; LOUIS-BAR SYNDROME; Ataxia-telangiectasia, complementation group E; ATAXIA-TELANGIECTASIA, COMPLEMENTATION GROUP A. Identifiers: Orphanet 100, MedGen C0004135, MONDO:0008840, OMIM 208900.

Allele frequency attached by ClinVar (database versions not stated): gnomAD exomes 0.00001; ExAC 0.00002; TOPMed 0.00007; gnomAD 0.00008.
gnomAD v4.1: 26 of 1,613,350 alleles (0.0016%); highest among the groups gnomAD compares: African/African-American, 0.017%; no homozygotes.

Submissions (11):

PreventionGenetics, part of Exact Sciences
Classification: Uncertain significance for ATM-related condition. Last evaluated: 2026-07-28. Review status: criteria provided, single submitter. Criteria: ACMG Guidelines, 2015. Collection method: clinical testing. Allele origin: germline.
Comment: The ATM c.4329C>A variant is predicted to result in the amino acid substitution p.His1443Gln. This variant was reported in individuals with breast/ovarian cancer (Adedokun et al. 2020. PubMed ID: 31871109; Eygelaar et al. 2022. PubMed ID: 35039564; Supplementary Table S3, de Oliveira et al. 2022. PubMed ID: 35534704). This variant is classified as uncertain in ClinVar (Variation ID: 185311). This variant is reported in 0.024% of alleles in individuals of African descent in gnomAD. At this time, the clinical significance of this variant is uncertain due to the absence of conclusive functional and genetic evidence.

Myriad Genetics, Inc.
Classification: Likely benign for Familial cancer of breast. Last evaluated: 2026-06-18. Review status: criteria provided, single submitter. Criteria: Myriad Autosomal Dominant, Autosomal Recessive and X-Linked Classification Criteria (2023). Collection method: clinical testing. Allele origin: unknown.
Comment: This variant is considered likely benign. This variant is strongly associated with less severe personal and family histories of cancer, typical for individuals without pathogenic variants in this gene [PMID: 25085752].

Labcorp Genetics (formerly Invitae), Labcorp
Classification: Uncertain significance for Ataxia-telangiectasia syndrome. Last evaluated: 2026-01-10. Review status: criteria provided, single submitter. Criteria: Invitae Variant Classification Sherloc (09022015). Collection method: clinical testing. Allele origin: germline.
Comment: This sequence change replaces histidine, which is basic and polar, with glutamine, which is neutral and polar, at codon 1443 of the ATM protein (p.His1443Gln). This variant is present in population databases (rs377065665, gnomAD 0.02%). This missense change has been observed in individual(s) with breast cancer (PMID: 31871109, 35039564, 35534704). ClinVar contains an entry for this variant (Variation ID: 185311). Invitae Evidence Modeling of protein sequence and biophysical properties (such as structural, functional, and spatial information, amino acid conservation, physicochemical variation, residue mobility, and thermodynamic stability) indicates that this missense variant is not expected to disrupt ATM protein function with a negative predictive value of 95%. In summary, the available evidence is currently insufficient to determine the role of this variant in disease. Therefore, it has been classified as a Variant of Uncertain Significance.

GeneDx
Classification: Uncertain significance. Last evaluated: 2025-08-13. Review status: criteria provided, single submitter. Criteria: GeneDx Variant Classification Process June 2021. Collection method: clinical testing. Allele origin: germline. Affected: yes.
Comment: In silico analysis suggests that this missense variant does not alter protein structure/function; Observed in individuals with breast or ovarian cancer (PMID: 35039564, 35534704); This variant is associated with the following publications: (PMID: 31871109, 36452878, 33471991, 35039564, 35534704)

Quest Diagnostics Nichols Institute San Juan Capistrano
Classification: Uncertain significance. Last evaluated: 2025-04-07. Review status: criteria provided, single submitter. Criteria: Quest Diagnostics criteria. Collection method: clinical testing. Allele origin: unknown.

Color Diagnostics, LLC DBA Color Health
Classification: Uncertain significance for Hereditary cancer-predisposing syndrome. Last evaluated: 2025-03-24. Review status: criteria provided, single submitter. Criteria: ACMG Guidelines, 2015. Collection method: clinical testing. Allele origin: germline.
Comment: This missense variant replaces histidine with glutamine at codon 1443 of the ATM protein. Computational prediction suggests that this variant may not impact protein structure and function. To our knowledge, functional studies have not been reported for this variant. This variant has been reported in individuals affected with breast cancer (PMID: 35039564) and ovarian cancer (PMID: 35534704). This variant has been identified in 8/282294 chromosomes in the general population by the Genome Aggregation Database (gnomAD). The available evidence is insufficient to determine the role of this variant in disease conclusively. Therefore, this variant is classified as a Variant of Uncertain Significance.

Ambry Genetics
Classification: Uncertain significance for Hereditary cancer-predisposing syndrome. Last evaluated: 2025-01-03. Review status: criteria provided, single submitter. Criteria: Ambry Variant Classification Scheme 2023. Collection method: clinical testing. Allele origin: germline.
Comment: The p.H1443Q variant (also known as c.4329C>A), located in coding exon 28 of the ATM gene, results from a C to A substitution at nucleotide position 4329. The histidine at codon 1443 is replaced by glutamine, an amino acid with highly similar properties. This amino acid position is well conserved in available vertebrate species. In addition, the in silico prediction for this alteration is inconclusive. Based on the available evidence, the clinical significance of this variant remains unclear.

Baylor Genetics
Classification: Uncertain significance for Familial cancer of breast. Last evaluated: 2024-03-03. Review status: criteria provided, single submitter. Criteria: ACMG Guidelines, 2015. Collection method: clinical testing. Allele origin: unknown.

Women's Health and Genetics/Laboratory Corporation of America, LabCorp
Classification: Uncertain significance. Last evaluated: 2024-01-08. Review status: criteria provided, single submitter. Criteria: LabCorp Variant Classification Summary - May 2015. Collection method: clinical testing. Allele origin: germline.
Comment: Variant summary: ATM c.4329C>A (p.His1443Gln) results in a non-conservative amino acid change in the encoded protein sequence. Three of five in-silico tools predict a benign effect of the variant on protein function. The variant allele was found at a frequency of 1.2e-05 in 250910 control chromosomes, predominantly at a frequency of 6.2e-05 within the African or African-American subpopulation in the gnomAD database. The available data on variant occurrences in the general population are insufficient to allow any conclusion about variant significance. To our knowledge, c.4329C>A has not been reported in the literature in individuals affected with Ataxia-Telangiectasia and no experimental evidence demonstrating an impact on protein function has been reported. The following publications have been ascertained in the context of this evaluation (PMID: 31871109, 33471991). ClinVar contains an entry for this variant (Variation ID: 185311). Based on the evidence outlined above, the variant was classified as uncertain significance.

Illumina Laboratory Services, Illumina
Classification: Uncertain significance for Ataxia-telangiectasia syndrome. Last evaluated: 2018-01-13. Review status: criteria provided, single submitter. Criteria: ICSL Variant Classification Criteria 13 December 2019. Collection method: clinical testing. Allele origin: germline.

Natera, Inc.
Classification: Uncertain significance for Ataxia-telangiectasia. Last evaluated: 2020-09-16. Review status: no assertion criteria provided. Collection method: clinical testing. Allele origin: germline. Not counted in ClinVar's aggregate classification.

Literature cited by the submitters: PubMed 25085752 (cited by Myriad Genetics, Inc.); PubMed 31871109 (cited by Labcorp Genetics (formerly Invitae), Labcorp and Women's Health and Genetics/Laboratory Corporation of America, LabCorp); PubMed 35039564 (cited by Labcorp Genetics (formerly Invitae), Labcorp and Color Diagnostics, LLC DBA Color Health); PubMed 35534704 (cited by Labcorp Genetics (formerly Invitae), Labcorp and Color Diagnostics, LLC DBA Color Health); PubMed 33471991 (cited by Women's Health and Genetics/Laboratory Corporation of America, LabCorp).

NM_000051.4(ATM):c.4329C>A (p.His1443Gln)

Gene: ATM (ATM serine/threonine kinase; plus strand). Cytogenetic location: 11q22.3.
Variant type: single nucleotide variant.
Coding change: c.4329C>A on transcript NM_000051.4 (MANE Select); coding-DNA position 4329, C replaced by A.
Protein change: p.His1443Gln; replaces histidine 1443 with glutamine.
Molecular consequence: missense variant.
Genome position (GRCh38, 1-based): chr11:108,289,694, C>A. VCF-style: chr11-108289694-C-A. GRCh37 (hg19) VCF-style: chr11-108160421-C-A.
Other names: c.4329C>A, p.His1443Gln (NM_001351834.2); short protein forms H1443Q.
Identifiers: ClinVar variation 185311 (VCV000185311.35), dbSNP rs377065665, ClinGen allele CA191592.